The following is an entry in ClinVar:

ClinVar aggregate classification (germline): Likely benign. Review status: criteria provided, multiple submitters, no conflicts (2 of 4 stars). 5 submissions from 5 submitters: Likely benign (5). Last evaluated 2026-01-12.

Allele frequency attached by ClinVar (database versions not stated): ESP Exome Variant Server 0.00042; gnomAD exomes 0.00051 and 0.00095; gnomAD 0.00055 and 0.00061; ExAC 0.00056; TOPMed 0.00063.
gnomAD v4.1: 1,455 of 1,613,848 alleles (0.09%); highest among the groups gnomAD compares: Non-Finnish European, 0.12%; 2 homozygotes.

Submissions (5):

Labcorp Genetics (formerly Invitae), Labcorp
Classification: Likely benign. Last evaluated: 2026-01-12. Review status: criteria provided, single submitter. Criteria: Invitae Variant Classification Sherloc (09022015). Collection method: clinical testing. Allele origin: germline.

CeGaT Center for Human Genetics Tuebingen
Classification: Likely benign. Last evaluated: 2026-01-01. Review status: criteria provided, single submitter. Criteria: CeGaT Center For Human Genetics Tuebingen Variant Classification Criteria Version 2. Collection method: clinical testing. Allele origin: germline. Affected: yes. Observed: 6 variant alleles.
Comment: SETD5: BP4, BP7, BS1

Blueprint Genetics
Classification: Likely benign. Last evaluated: 2024-11-11. Review status: criteria provided, single submitter. Criteria: ACMG Guidelines, 2015. Collection method: clinical testing. Allele origin: germline.

GeneDx
Classification: Likely benign. Last evaluated: 2021-04-08. Review status: criteria provided, single submitter. Criteria: GeneDx Variant Classification Process June 2021. Collection method: clinical testing. Allele origin: germline. Affected: yes.

Genetic Services Laboratory, University of Chicago
Classification: Likely benign. Last evaluated: 2016-11-29. Review status: criteria provided, single submitter. Criteria: ACMG Guidelines, 2015. Collection method: clinical testing. Allele origin: germline. Affected: no.

NM_001080517.3(SETD5):c.1794A>G (p.Ala598=)

Gene: SETD5 (SET domain containing 5; plus strand). Cytogenetic location: 3p25.3.
Variant type: single nucleotide variant.
Coding change: c.1794A>G on transcript NM_001080517.3 (MANE Select); coding-DNA position 1794, A replaced by G.
Protein change: p.Ala598=; no amino-acid change (alanine 598 retained).
Molecular consequence: synonymous variant.
Genome position (GRCh38, 1-based): chr3:9,447,697, A>G. VCF-style: chr3-9447697-A-G. GRCh37 (hg19) VCF-style: chr3-9489381-A-G.
Other names: c.1500A>G, p.Ala500= (NM_001292043.2, NM_001349451.2).
Identifiers: ClinVar variation 436687 (VCV000436687.40), dbSNP rs376761696, ClinGen allele CA2239308.